The following is an entry in ClinVar:

NM_002107.7(H3-3A):c.349C>T (p.Arg117Cys)

Gene: H3-3A (H3.3 histone A; plus strand). Cytogenetic location: 1q42.12.
Variant type: single nucleotide variant.
Coding change: c.349C>T on transcript NM_002107.7 (MANE Select); coding-DNA position 349, C replaced by T.
Protein change: p.Arg117Cys; replaces arginine 117 with cysteine.
Molecular consequence: missense variant.
Genome position (GRCh38, 1-based): chr1:226,071,417, C>T. VCF-style: chr1-226071417-C-T. GRCh37 (hg19) VCF-style: chr1-226259118-C-T.
Other names: c.349C>T, p.Arg117Cys (NM_001379043.1, NM_001379045.1, NM_001379046.1 and 1 more transcripts); short protein forms R117C.
Identifiers: ClinVar variation 4538326 (VCV004538326.2).
Genomic context (GRCh38, chr1:226,071,417, plus strand): 5'-AGTGAGGCCTATCTGGTTGGCCTTTTTGAAGACACCAACCTGTGTGCTATCCATGCCAAA[C>T]GTGTAACAATTATGCCAAAAGACATCCAGCTAGCACGCCGCATACGTGGAGAACGTGCTT-3'
Protein context (NP_002098.1, residues 107-127): DTNLCAIHAK[Arg117Cys]VTIMPKDIQL

ClinVar aggregate classification (germline): Uncertain significance. Review status: criteria provided, multiple submitters, no conflicts (2 of 4 stars). 2 submissions from 2 submitters: Uncertain significance (2). Last evaluated 2025-06-18.

Submissions (2):

Greenwood Genetic Center Diagnostic Laboratories, Greenwood Genetic Center
Classification: Uncertain significance. Last evaluated: 2025-06-18. Review status: criteria provided, single submitter. Criteria: ACMG Guidelines, 2015. Collection method: clinical testing. Allele origin: germline. Affected: yes.
Comment: PM2, PP2

Blueprint Genetics
Classification: Uncertain significance. Last evaluated: 2022-05-27. Review status: criteria provided, single submitter. Criteria: ACMG Guidelines, 2015. Collection method: clinical testing. Allele origin: germline.